The following is an entry in ClinVar:

ClinVar aggregate classification (germline): Pathogenic (1 of 4 stars; one submission).

Submission:

Athena Diagnostics
Classification: Pathogenic. Last evaluated: 2023-10-19. Review status: criteria provided, single submitter. Criteria: Athena Diagnostics Criteria. Collection method: clinical testing. Allele origin: unknown.
Comment: This variant is likely inserted in tandem within the DMD gene (PMID: 25640679) and, if so, would severely disrupt protein function. Similar duplications of exons 56-62 have been identified in multiple individuals with DMD. Similar variants have not been reported in large, multi-ethnic general populations (Genome Aggregation Database (gnomAD), Cambridge, MA (URL)).

Literature cited by the submitters: PubMed 33644936; PubMed 28610567; PubMed 19602481; PubMed 25640679; PubMed 19367636; PubMed 31139960; PubMed 21515508; PubMed 26968818.

Single allele

Gene: DMD (dystrophin; minus strand). Cytogenetic location: Xp21.2-21.1.
Variant type: Duplication.
Identifiers: ClinVar variation 3571572 (VCV003571572.1).